The following is an entry in ClinVar:

NM_001289080.2(CNTN6):c.1995G>C (p.Leu665Phe)

Gene: CNTN6 (contactin 6; plus strand). Cytogenetic location: 3p26.3.
Variant type: single nucleotide variant.
Coding change: c.1995G>C on transcript NM_001289080.2 (MANE Select); coding-DNA position 1995, G replaced by C.
Protein change: p.Leu665Phe; replaces leucine 665 with phenylalanine.
Molecular consequence: missense variant.
Genome position (GRCh38, 1-based): chr3:1,373,973, G>C. VCF-style: chr3-1373973-G-C. GRCh37 (hg19) VCF-style: chr3-1415657-G-C.
Other names: c.1779G>C, p.Leu593Phe (NM_001289081.2); c.1995G>C, p.Leu665Phe (NM_001349350.2, NM_001349351.2, NM_001349352.2 and 4 more transcripts); c.1887G>C, p.Leu629Phe (NM_001349356.2); c.1683G>C, p.Leu561Phe (NM_001349357.2); c.1440G>C, p.Leu480Phe (NM_001349358.2); c.873G>C, p.Leu291Phe (NM_001349359.2, NM_001349360.2, NM_001349361.2 and 1 more transcripts); short protein forms L291F, L480F, L561F, L593F, L629F, L665F.
Identifiers: ClinVar variation 2653441 (VCV002653441.24), dbSNP rs1709492187, ClinGen allele CA351434186.

ClinVar aggregate classification (germline): Uncertain significance (1 of 4 stars; one submission).

Submission:

CeGaT Center for Human Genetics Tuebingen
Classification: Uncertain significance. Last evaluated: 2023-07-01. Review status: criteria provided, single submitter. Criteria: CeGaT Center For Human Genetics Tuebingen Variant Classification Criteria Version 2. Collection method: clinical testing. Allele origin: germline. Affected: yes. Observed: 1 variant allele.
Comment: CNTN6: PM2